The following is an entry in ClinVar:

ClinVar aggregate classification (germline): Uncertain significance (1 of 4 stars; one submission).

Conditions:
Bethlem myopathy 1A. Also called: Bethlem Muscular Dystrophy; Bethlem myopathy 1; MYOPATHY, BENIGN CONGENITAL, WITH CONTRACTURES. Identifiers: Orphanet 610, MedGen CN029274, MONDO:0024530, OMIM 158810.

gnomAD v4.1: 9 of 1,614,118 alleles (0.00056%); highest among the groups gnomAD compares: Middle Eastern, 0.033%; no homozygotes.

Submission:

Labcorp Genetics (formerly Invitae), Labcorp
Classification: Uncertain significance for Bethlem myopathy 1A. Last evaluated: 2025-03-28. Review status: criteria provided, single submitter. Criteria: Invitae Variant Classification Sherloc (09022015). Collection method: clinical testing. Allele origin: germline.
Comment: This sequence change replaces glutamine, which is neutral and polar, with histidine, which is basic and polar, at codon 29 of the COL6A3 protein (p.Gln29His). This variant is not present in population databases (gnomAD no frequency). This variant has not been reported in the literature in individuals affected with COL6A3-related conditions. ClinVar contains an entry for this variant (Variation ID: 953248). Invitae Evidence Modeling of protein sequence and biophysical properties (such as structural, functional, and spatial information, amino acid conservation, physicochemical variation, residue mobility, and thermodynamic stability) indicates that this missense variant is not expected to disrupt COL6A3 protein function with a negative predictive value of 95%. In summary, the available evidence is currently insufficient to determine the role of this variant in disease. Therefore, it has been classified as a Variant of Uncertain Significance.

NM_004369.4(COL6A3):c.87A>T (p.Gln29His)

Gene: COL6A3 (collagen type VI alpha 3 chain; minus strand). Cytogenetic location: 2q37.3.
Variant type: single nucleotide variant.
Coding change: c.87A>T on transcript NM_004369.4 (MANE Select); coding-DNA position 87, A replaced by T.
Protein change: p.Gln29His; replaces glutamine 29 with histidine.
Molecular consequence: missense variant.
Genome position (GRCh38, 1-based): chr2:237,396,731, T>A on the plus strand (A>T on the coding strand, the complement: COL6A3 is on the minus strand). VCF-style: chr2-237396731-T-A. GRCh37 (hg19) VCF-style: chr2-238305374-T-A.
Other names: c.87A>T, p.Gln29His (NM_057164.5, NM_057165.5, NM_057166.5 and 1 more transcripts); short protein forms Q29H.
Identifiers: ClinVar variation 953248 (VCV000953248.10), dbSNP rs775946239, ClinGen allele CA351229108.